The following is an entry in ClinVar:

NM_058195.4(CDKN2A):c.47G>A (p.Gly16Asp)

Gene: CDKN2A (cyclin dependent kinase inhibitor 2A; minus strand). Cytogenetic location: 9p21.3.
Variant type: single nucleotide variant.
Coding change: c.47G>A on transcript NM_058195.4 (MANE Plus Clinical); coding-DNA position 47, G replaced by A.
Protein change: p.Gly16Asp; replaces glycine 16 with aspartic acid.
Molecular consequence: missense variant. On other transcripts: intron variant (1).
Genome position (GRCh38, 1-based): chr9:21,994,285, C>T on the plus strand (G>A on the coding strand, the complement: CDKN2A is on the minus strand). VCF-style: chr9-21994285-C-T. GRCh37 (hg19) VCF-style: chr9-21994284-C-T.
Other names: c.-4+536G>A (NM_001363763.2); short protein forms G16D.
Identifiers: ClinVar variation 1488912 (VCV001488912.4), dbSNP rs1444669684, ClinGen allele CA373087046.

ClinVar aggregate classification (germline): Uncertain significance. Review status: criteria provided, multiple submitters, no conflicts (2 of 4 stars). 2 submissions from 2 submitters: Uncertain significance (2). Last evaluated 2021-08-06.

Conditions:
Hereditary cancer-predisposing syndrome. Also called: Neoplastic Syndromes, Hereditary; Tumor predisposition; Hereditary Cancer Syndrome; Hereditary neoplastic syndrome. Identifiers: Orphanet 140162, MedGen C0027672, MeSH D009386, MONDO:0015356.
Familial melanoma. Also called: Hereditary melanoma; Hereditary cutaneous melanoma. Identifiers: Orphanet 618, MedGen C1512419, MONDO:0018961.

Allele frequency attached by ClinVar (database versions not stated): gnomAD exomes below 0.00001; TOPMed below 0.00001; gnomAD 0.00001.
gnomAD v4.1: 5 of 1,603,732 alleles (0.00031%); highest among the groups gnomAD compares: Non-Finnish European, 0.00043%; no homozygotes.

Submissions (2):

Labcorp Genetics (formerly Invitae), Labcorp
Classification: Uncertain significance for Familial melanoma. Last evaluated: 2021-08-06. Review status: criteria provided, single submitter. Criteria: Invitae Variant Classification Sherloc (09022015). Collection method: clinical testing. Allele origin: germline.
Comment: This sequence change replaces glycine with aspartic acid at codon 16 of the CDKN2A (p14ARF) protein (p.Gly16Asp). The glycine residue is moderately conserved and there is a moderate physicochemical difference between glycine and aspartic acid. This variant is not present in population databases (ExAC no frequency). This missense change has been observed in individual(s) with cutaneous malignant melanoma (PMID: 15937071). Algorithms developed to predict the effect of missense changes on protein structure and function are either unavailable or do not agree on the potential impact of this missense change (SIFT: "Tolerated"; PolyPhen-2: "Probably Damaging"; Align-GVGD: "Class C0"). Experimental studies have shown that this missense change does not substantially affect CDKN2A (p14ARF) protein function (PMID: 15937071). In summary, the available evidence is currently insufficient to determine the role of this variant in disease. Therefore, it has been classified as a Variant of Uncertain Significance.

Ambry Genetics
Classification: Uncertain significance for Hereditary cancer-predisposing syndrome. Last evaluated: 2020-08-12. Review status: criteria provided, single submitter. Criteria: Ambry Variant Classification Scheme 2023. Collection method: clinical testing. Allele origin: germline.
Comment: The p.G16D variant (also known as c.47G>A), located in coding exon 1 of the CDKN2A gene, results from a G to A substitution at nucleotide position 47. The glycine at codon 16 is replaced by aspartic acid, an amino acid with similar properties. This amino acid position is well conserved in available vertebrate species. In addition, this alteration is predicted to be tolerated by in silico analysis. Since supporting evidence is limited at this time, the clinical significance of this alteration remains unclear.

Literature cited by the submitters: PubMed 15937071 (cited by Labcorp Genetics (formerly Invitae), Labcorp).